The following is an entry in ClinVar:

NM_001142800.2(EYS):c.8850_8852del (p.Asn2950del)

Genes: EYS (EGF-like photoreceptor maintenance factor; minus strand), PHF3 (PHD finger protein 3; plus strand). Cytogenetic location: 6q12.
Variant type: Deletion.
Coding change: c.8850_8852del on transcript NM_001142800.2 (MANE Select); coding-DNA positions 8850 to 8852, 3 bases deleted (CAA; older notation c.8850_8852delCAA).
Protein change: p.Asn2950del; deletes asparagine 2950.
Molecular consequence: 3 prime UTR variant (on NM_001370348.2).
Genome position (GRCh38, 1-based): chr6:63,721,179-63,721,181, TTG deleted on the plus strand (CAA on the coding strand, the reverse complement: EYS is on the minus strand); deleting any 3 consecutive bases within chr6:63,721,179-63,721,183 gives the same sequence; the c. name uses the placement nearest the transcript's 3' end. VCF-style (leftmost placement, unchanged base first): chr6-63721178-TTTG-T. GRCh37 (hg19) VCF-style: chr6-64431074-TTTG-T.
Other names: c.*7473_*7475del (NM_001290259.2, NM_001370348.2, NM_001370349.2 and 2 more transcripts); c.8913_8915del, p.Asn2971del (NM_001292009.2); short protein forms N2950del, N2971del.
Identifiers: ClinVar variation 3726671 (VCV003726671.2).

ClinVar aggregate classification (germline): Uncertain significance (1 of 4 stars; one submission).

Submission:

Labcorp Genetics (formerly Invitae), Labcorp
Classification: Uncertain significance. Last evaluated: 2024-12-04. Review status: criteria provided, single submitter. Criteria: Invitae Variant Classification Sherloc (09022015). Collection method: clinical testing. Allele origin: germline.
Comment: This variant, c.8850_8852del, results in the deletion of 1 amino acid(s) of the EYS protein (p.Asn2950del), but otherwise preserves the integrity of the reading frame. This variant is not present in population databases (gnomAD no frequency). This variant has been observed in individual(s) with retinitis pigmentosa (internal data). Experimental studies and prediction algorithms are not available or were not evaluated, and the functional significance of this variant is currently unknown. In summary, the available evidence is currently insufficient to determine the role of this variant in disease. Therefore, it has been classified as a Variant of Uncertain Significance.